The following is an entry in ClinVar:

ClinVar aggregate classification (germline): Benign/Likely benign. Review status: criteria provided, multiple submitters, no conflicts (2 of 4 stars). 8 submissions from 8 submitters: Benign (3); Likely benign (1). 4 of the submissions do not count toward it. Last evaluated 2026-02-04.

Conditions:
Autosomal recessive ataxia due to ubiquinone deficiency. Also called: Coenzyme Q10 deficiency, primary, 4; SPINOCEREBELLAR ATAXIA, AUTOSOMAL RECESSIVE 9. Identifiers: Orphanet 139485, MedGen C2677589, MONDO:0012784, OMIM 612016.

Allele frequency attached by ClinVar (database versions not stated): ExAC 0.01851; gnomAD 0.03976 and 0.04148; ESP Exome Variant Server 0.04306; TOPMed 0.04490; 1000 Genomes Project 0.05791; 1000 Genomes Project 30x 0.06121.

Submissions (21):

Labcorp Genetics (formerly Invitae), Labcorp
Classification: Benign. Last evaluated: 2026-02-04. Review status: criteria provided, single submitter. Criteria: Invitae Variant Classification Sherloc (09022015). Collection method: clinical testing. Allele origin: germline.

Illumina Laboratory Services, Illumina
Classification: Benign for Autosomal recessive ataxia due to ubiquinone deficiency. Last evaluated: 2018-01-12. Review status: criteria provided, single submitter. Criteria: ICSL Variant Classification Criteria 13 December 2019. Collection method: clinical testing. Allele origin: germline.
Comment: This variant was observed in the ICSL laboratory as part of a predisposition screen in an ostensibly healthy population. It had not been previously curated by ICSL or reported in the Human Gene Mutation Database (HGMD: prior to June 1st, 2018), and was therefore a candidate for classification through an automated scoring system. Utilizing variant allele frequency, disease prevalence and penetrance estimates, and inheritance mode, an automated score was calculated to assess if this variant is too frequent to cause the disease. Based on the score and internal cut-off values, a variant classified as benign is not then subjected to further curation. The score for this variant resulted in a classification of benign for this disease.

GeneDx
Classification: Benign. Last evaluated: 2012-08-03. Review status: criteria provided, single submitter. Criteria: GeneDx Variant Classification (06012015). Collection method: clinical testing. Allele origin: germline. Affected: yes.
Comment: This variant is considered likely benign or benign based on one or more of the following criteria: it is a conservative change, it occurs at a poorly conserved position in the protein, it is predicted to be benign by multiple in silico algorithms, and/or has population frequency not consistent with disease.

Breakthrough Genomics
Classification: Likely benign. Review status: criteria provided, single submitter. Criteria: ACMG Guidelines, 2015. Collection method: not provided. Allele origin: germline. Inheritance: Autosomal recessive inheritance. Affected: yes.

Mayo Clinic Laboratories, Mayo Clinic
Classification: Benign. Last evaluated: 2016-02-29. Review status: no assertion criteria provided. Collection method: clinical testing. Allele origin: unknown. Not counted in ClinVar's aggregate classification.

Clinical Genetics DNA and cytogenetics Diagnostics Lab, Erasmus MC, Erasmus Medical Center
Classification: Benign. Review status: no assertion criteria provided. Collection method: clinical testing. Allele origin: germline. Affected: yes. Study: VKGL Data-share Consensus. Not counted in ClinVar's aggregate classification.

Clinical Genetics, Academic Medical Center
Classification: Benign. Review status: no assertion criteria provided. Collection method: clinical testing. Allele origin: germline. Affected: yes. Study: VKGL Data-share Consensus. Not counted in ClinVar's aggregate classification.

Dr. Peter K. Rogan Lab, Western University
No classification provided (evidence only). Condition: Lung cancer. Review status: no classification provided. Collection method: in vitro. Allele origin: not applicable. Functional consequence: retained intron. Not counted in ClinVar's aggregate classification.

Dr. Peter K. Rogan Lab, Western University
No classification provided (evidence only). Condition: Uterine corpus endometrial carcinoma. Review status: no classification provided. Collection method: in vitro. Allele origin: not applicable. Functional consequence: retained intron. Not counted in ClinVar's aggregate classification.

Dr. Peter K. Rogan Lab, Western University
No classification provided (evidence only). Condition: Cervical cancer. Review status: no classification provided. Collection method: in vitro. Allele origin: not applicable. Functional consequence: retained intron. Not counted in ClinVar's aggregate classification.

Dr. Peter K. Rogan Lab, Western University
No classification provided (evidence only). Condition: Sarcoma. Review status: no classification provided. Collection method: in vitro. Allele origin: not applicable. Functional consequence: retained intron. Not counted in ClinVar's aggregate classification.

Dr. Peter K. Rogan Lab, Western University
No classification provided (evidence only). Condition: Hepatocellular carcinoma. Review status: no classification provided. Collection method: in vitro. Allele origin: not applicable. Functional consequence: retained intron. Not counted in ClinVar's aggregate classification.

Dr. Peter K. Rogan Lab, Western University
No classification provided (evidence only). Condition: Cholangiocarcinoma. Review status: no classification provided. Collection method: in vitro. Allele origin: not applicable. Functional consequence: retained intron. Not counted in ClinVar's aggregate classification.

Dr. Peter K. Rogan Lab, Western University
No classification provided (evidence only). Condition: Ovarian serous cystadenocarcinoma. Review status: no classification provided. Collection method: in vitro. Allele origin: not applicable. Functional consequence: retained intron. Not counted in ClinVar's aggregate classification.

Dr. Peter K. Rogan Lab, Western University
No classification provided (evidence only). Condition: Gastric cancer. Review status: no classification provided. Collection method: in vitro. Allele origin: not applicable. Functional consequence: retained intron. Not counted in ClinVar's aggregate classification.

Dr. Peter K. Rogan Lab, Western University
No classification provided (evidence only). Condition: Gastric cancer. Review status: no classification provided. Collection method: in vitro. Allele origin: not applicable. Functional consequence: retained intron. Not counted in ClinVar's aggregate classification.

Dr. Peter K. Rogan Lab, Western University
No classification provided (evidence only). Condition: Gastric cancer. Review status: no classification provided. Collection method: in vitro. Allele origin: not applicable. Functional consequence: retained intron. Not counted in ClinVar's aggregate classification.

Dr. Peter K. Rogan Lab, Western University
No classification provided (evidence only). Condition: Adrenocortical carcinoma, hereditary. Review status: no classification provided. Collection method: in vitro. Allele origin: not applicable. Functional consequence: retained intron. Not counted in ClinVar's aggregate classification.

Dr. Peter K. Rogan Lab, Western University
No classification provided (evidence only). Condition: Malignant tumor of esophagus. Review status: no classification provided. Collection method: in vitro. Allele origin: not applicable. Functional consequence: retained intron. Not counted in ClinVar's aggregate classification.

Dr. Peter K. Rogan Lab, Western University
No classification provided (evidence only). Condition: Malignant tumor of esophagus. Review status: no classification provided. Collection method: in vitro. Allele origin: not applicable. Functional consequence: retained intron. Not counted in ClinVar's aggregate classification.

Laboratory of Diagnostic Genome Analysis, Leiden University Medical Center (LUMC)
Classification: Likely benign. Review status: no assertion criteria provided. Collection method: clinical testing. Allele origin: germline. Affected: yes. Study: VKGL Data-share Consensus. Not counted in ClinVar's aggregate classification.

NM_020247.5(COQ8A):c.255T>G (p.His85Gln)

Gene: COQ8A (coenzyme Q8A; plus strand). Cytogenetic location: 1q42.13.
Variant type: single nucleotide variant.
Coding change: c.255T>G on transcript NM_020247.5 (MANE Select); coding-DNA position 255, T replaced by G.
Protein change: p.His85Gln; replaces histidine 85 with glutamine.
Molecular consequence: missense variant.
Genome position (GRCh38, 1-based): chr1:226,965,077, T>G. VCF-style: chr1-226965077-T-G. GRCh37 (hg19) VCF-style: chr1-227152778-T-G.
Other names: p.H85Q:CAT>CAG; short protein forms H85Q.
Identifiers: ClinVar variation 136297 (VCV000136297.24), dbSNP rs2297411, ClinGen allele CA289300.
Genomic context (GRCh38, chr1:226,965,077, plus strand): 5'-AGAATATTTTGCTGAGAACTTCGGCGGCCCAGAAGGGGAGTTCCACTTCTCAGTCCCGCA[T>G]GCAGCCGGAGCCTCCACAGACTTCTCTTCAGCCTCCGCTCCCGACCAGTCAGCGCCCCCA-3'
Protein context (NP_064632.2, residues 75-95): PEGEFHFSVP[His85Gln]AAGASTDFSS